The following is an entry in ClinVar:

NM_032043.3(BRIP1):c.3701T>C (p.Phe1234Ser)

Gene: BRIP1 (BRCA1 interacting DNA helicase 1; minus strand). Cytogenetic location: 17q23.2.
Variant type: single nucleotide variant.
Coding change: c.3701T>C on transcript NM_032043.3 (MANE Select); coding-DNA position 3701, T replaced by C.
Protein change: p.Phe1234Ser; replaces phenylalanine 1234 with serine.
Molecular consequence: missense variant.
Genome position (GRCh38, 1-based): chr17:61,683,345, A>G on the plus strand (T>C on the coding strand, the complement: BRIP1 is on the minus strand). VCF-style: chr17-61683345-A-G. GRCh37 (hg19) VCF-style: chr17-59760706-A-G.
Other names: short protein forms F1234S.
Identifiers: ClinVar variation 2065400 (VCV002065400.4), dbSNP rs587778137, ClinGen allele CA400477791.

ClinVar aggregate classification (germline): Uncertain significance (1 of 4 stars; one submission).

Conditions:
Familial cancer of breast. Also called: Hereditary breast cancer; hereditary breast carcinoma; BREAST CANCER, FAMILIAL. Identifiers: Orphanet 227535, MedGen C0346153, MONDO:0016419, OMIM 114480. Disease mechanism: loss of function.
Fanconi anemia complementation group J. Also called: BRIP1-Related Fanconi Anemia. Identifiers: Orphanet 84, MedGen C1836860, MONDO:0012187, OMIM 609054.

Submission:

Labcorp Genetics (formerly Invitae), Labcorp
Classification: Uncertain significance for Familial cancer of breast; Fanconi anemia complementation group J. Last evaluated: 2025-08-07. Review status: criteria provided, single submitter. Criteria: Invitae Variant Classification Sherloc (09022015). Collection method: clinical testing. Allele origin: germline.
Comment: This sequence change replaces phenylalanine, which is neutral and non-polar, with serine, which is neutral and polar, at codon 1234 of the BRIP1 protein (p.Phe1234Ser). This variant is not present in population databases (gnomAD no frequency). This variant has not been reported in the literature in individuals affected with BRIP1-related conditions. ClinVar contains an entry for this variant (Variation ID: 2065400). Invitae Evidence Modeling of protein sequence and biophysical properties (such as structural, functional, and spatial information, amino acid conservation, physicochemical variation, residue mobility, and thermodynamic stability) indicates that this missense variant is not expected to disrupt BRIP1 protein function with a negative predictive value of 95%. In summary, the available evidence is currently insufficient to determine the role of this variant in disease. Therefore, it has been classified as a Variant of Uncertain Significance.